The following is an entry in ClinVar:

NM_016363.5(GP6):c.895C>T (p.Arg299Trp)

Gene: GP6 (glycoprotein VI platelet; minus strand). Cytogenetic location: 19q13.42.
Variant type: single nucleotide variant.
Coding change: c.895C>T on transcript NM_016363.5 (MANE Select); coding-DNA position 895, C replaced by T.
Protein change: p.Arg299Trp; replaces arginine 299 with tryptophan.
Molecular consequence: missense variant.
Genome position (GRCh38, 1-based): chr19:55,015,046, G>A on the plus strand (C>T on the coding strand, the complement: GP6 is on the minus strand). VCF-style: chr19-55015046-G-A. GRCh37 (hg19) VCF-style: chr19-55526414-G-A.
Other names: p.Ala300Val; c.899C>T, p.Ala300Val (NM_001083899.2); c.841C>T, p.Arg281Trp (NM_001256017.2); short protein forms R281W, R299W, A300V.
Identifiers: ClinVar variation 2619129 (VCV002619129.3), dbSNP rs371817808, ClinGen allele CA310121869.

ClinVar aggregate classification (germline): Uncertain significance. Review status: criteria provided, multiple submitters, no conflicts (2 of 4 stars). 2 submissions from 2 submitters: Uncertain significance (2). Last evaluated 2025-10-07.

Conditions:
Inborn genetic diseases. Identifiers: MedGen C0950123, MeSH D030342.

Allele frequency attached by ClinVar (database versions not stated): ExAC 0.00005; ESP Exome Variant Server 0.00016; TOPMed 0.00007; 1000 Genomes Project 0.00020; gnomAD 0.00010; 1000 Genomes Project 30x 0.00016.

Submissions (2):

Mayo Clinic Laboratories, Mayo Clinic
Classification: Uncertain significance. Last evaluated: 2025-10-07. Review status: criteria provided, single submitter. Criteria: ACMG Guidelines, 2015. Collection method: clinical testing. Allele origin: germline. Observed: 1 variant allele.
Comment: BP4, PM2_supporting

Ambry Genetics
Classification: Uncertain significance for Inborn genetic diseases. Last evaluated: 2023-08-15. Review status: criteria provided, single submitter. Criteria: Ambry Variant Classification Scheme 2023. Collection method: clinical testing. Allele origin: germline.